The following is an entry in ClinVar:

NM_000444.6(PHEX):c.956dup (p.Lys320fs)

Gene: PHEX (phosphate regulating endopeptidase X-linked; plus strand). Cytogenetic location: Xp22.11.
Variant type: Duplication.
Coding change: c.956dup on transcript NM_000444.6 (MANE Select); coding-DNA position 956, one base duplicated (A; older notation c.956dupA).
Protein change: p.Lys320fs; shifts the reading frame from lysine 320.
Molecular consequence: frameshift variant.
Genome position (GRCh38, 1-based): chrX:22,099,028, A duplicated; the last of 2 consecutive A bases (chrX:22,099,027-22,099,028); duplicating either gives the same sequence. VCF-style (leftmost placement, unchanged base first): chrX-22099026-C-CA. GRCh37 (hg19) VCF-style: chrX-22117144-C-CA.
Other names: c.956dup, p.Lys320fs (NM_001282754.2); short protein forms K320fs.
Identifiers: ClinVar variation 952297 (VCV000952297.7), dbSNP rs1930293543, ClinGen allele CA1139667289.

ClinVar aggregate classification (germline): Pathogenic (1 of 4 stars; one submission).

Submission:

Labcorp Genetics (formerly Invitae), Labcorp
Classification: Pathogenic. Last evaluated: 2019-05-14. Review status: criteria provided, single submitter. Criteria: Invitae Variant Classification Sherloc (09022015). Collection method: clinical testing. Allele origin: germline.
Comment: This variant is not present in population databases (ExAC no frequency). This sequence change creates a premature translational stop signal (p.Lys320Glufs*4) in the PHEX gene. It is expected to result in an absent or disrupted protein product. This variant has not been reported in the literature in individuals with PHEX-related conditions. Loss-of-function variants in PHEX are known to be pathogenic (PMID: 9097956, 9106524, 19219621). For these reasons, this variant has been classified as Pathogenic.

Literature cited by the submitters: PubMed 9097956; PubMed 9106524; PubMed 19219621.